The following is an entry in ClinVar:

NM_000553.6(WRN):c.794C>G (p.Ala265Gly)

Gene: WRN (WRN RecQ like helicase; plus strand). Cytogenetic location: 8p12.
Variant type: single nucleotide variant.
Coding change: c.794C>G on transcript NM_000553.6 (MANE Select); coding-DNA position 794, C replaced by G.
Protein change: p.Ala265Gly; replaces alanine 265 with glycine.
Molecular consequence: missense variant.
Genome position (GRCh38, 1-based): chr8:31,076,242, C>G. VCF-style: chr8-31076242-C-G. GRCh37 (hg19) VCF-style: chr8-30933758-C-G.
Other names: short protein forms A265G.
Identifiers: ClinVar variation 1021978 (VCV001021978.2), dbSNP rs1398715893, ClinGen allele CA370918564.

ClinVar aggregate classification (germline): Uncertain significance (1 of 4 stars; one submission).

Conditions:
Werner syndrome (WRN). Identifiers: Orphanet 902, MedGen C0043119, MONDO:0010196, OMIM 277700.

Allele frequency attached by ClinVar (database versions not stated): gnomAD exomes below 0.00001; gnomAD 0.00001.
gnomAD v4.1: 3 of 1,613,616 alleles (0.00019%); highest among the groups gnomAD compares: Non-Finnish European, 0.00025%; no homozygotes.

Submission:

Labcorp Genetics (formerly Invitae), Labcorp
Classification: Uncertain significance for Werner syndrome. Last evaluated: 2022-07-06. Review status: criteria provided, single submitter. Criteria: Invitae Variant Classification Sherloc (09022015). Collection method: clinical testing. Allele origin: germline.
Comment: This sequence change replaces alanine, which is neutral and non-polar, with glycine, which is neutral and non-polar, at codon 265 of the WRN protein (p.Ala265Gly). This variant is present in population databases (no rsID available, gnomAD 0.002%). This variant has not been reported in the literature in individuals affected with WRN-related conditions. ClinVar contains an entry for this variant (Variation ID: 1021978). Algorithms developed to predict the effect of missense changes on protein structure and function are either unavailable or do not agree on the potential impact of this missense change (SIFT: "Not Available"; PolyPhen-2: "Probably Damaging"; Align-GVGD: "Not Available"). Algorithms developed to predict the effect of sequence changes on RNA splicing suggest that this variant may disrupt the consensus splice site. In summary, the available evidence is currently insufficient to determine the role of this variant in disease. Therefore, it has been classified as a Variant of Uncertain Significance.